The following is an entry in ClinVar:

ClinVar aggregate classification (germline): Uncertain significance. Review status: criteria provided, multiple submitters, no conflicts (2 of 4 stars). 3 submissions from 3 submitters: Uncertain significance (3). Last evaluated 2025-12-13.

Conditions:
Age related macular degeneration 1 (ARMD1). Also called: MACULOPATHY, AGE-RELATED, 1. Identifiers: MedGen C1864205, MONDO:0011285, OMIM 603075.

Allele frequency attached by ClinVar (database versions not stated): ExAC 0.00001; gnomAD 0.00003.
gnomAD v4.1: 32 of 1,613,890 alleles (0.002%); highest among the groups gnomAD compares: Non-Finnish European, 0.0025%; no homozygotes.

Submissions (3):

Labcorp Genetics (formerly Invitae), Labcorp
Classification: Uncertain significance. Last evaluated: 2025-12-13. Review status: criteria provided, single submitter. Criteria: Invitae Variant Classification Sherloc (09022015). Collection method: clinical testing. Allele origin: germline.
Comment: This sequence change replaces leucine, which is neutral and non-polar, with phenylalanine, which is neutral and non-polar, at codon 4984 of the HMCN1 protein (p.Leu4984Phe). This variant is present in population databases (rs61749581, gnomAD 0.005%). This variant has not been reported in the literature in individuals affected with HMCN1-related conditions. ClinVar contains an entry for this variant (Variation ID: 2139722). An algorithm developed to predict the effect of missense changes on protein structure and function (PolyPhen-2) suggests that this variant is likely to be disruptive. In summary, the available evidence is currently insufficient to determine the role of this variant in disease. Therefore, it has been classified as a Variant of Uncertain Significance.

Genome-Nilou Lab
Classification: Uncertain significance for Age related macular degeneration 1. Last evaluated: 2023-04-11. Review status: criteria provided, single submitter. Criteria: ACMG Guidelines, 2015. Collection method: clinical testing. Allele origin: germline. Affected: no.

Ambry Genetics
Classification: Uncertain significance. Last evaluated: 2023-02-15. Review status: criteria provided, single submitter. Criteria: Ambry Variant Classification Scheme 2023. Collection method: clinical testing. Allele origin: germline.

NM_031935.3(HMCN1):c.14952G>C (p.Leu4984Phe)

Gene: HMCN1 (hemicentin 1; plus strand). Cytogenetic location: 1q31.1.
Variant type: single nucleotide variant.
Coding change: c.14952G>C on transcript NM_031935.3 (MANE Select); coding-DNA position 14952, G replaced by C.
Protein change: p.Leu4984Phe; replaces leucine 4984 with phenylalanine.
Molecular consequence: missense variant.
Genome position (GRCh38, 1-based): chr1:186,152,805, G>C. VCF-style: chr1-186152805-G-C. GRCh37 (hg19) VCF-style: chr1-186121937-G-C.
Other names: c.14952G>C (NM_031935.2); short protein forms L4984F.
Identifiers: ClinVar variation 2139722 (VCV002139722.7), dbSNP rs61749581, ClinGen allele CA1295112.
Genomic context (GRCh38, chr1:186,152,805, plus strand): 5'-CCCAGGAGAAATCTTGCAGATGAGTCATATTGCCCGGGGCTTGGATTCCGATGGTTCTTT[G>C]CTGCTAGATATCGTTGTGAGTGGCTATGTCCTACAGCTTCAGTCACCTGCTGAAGTCACT-3'
Protein context (NP_114141.2, residues 4974-4994): IARGLDSDGS[Leu4984Phe]LLDIVVSGYV